The following is an entry in ClinVar:

NM_000368.5(TSC1):c.3191A>T (p.Glu1064Val)

Gene: TSC1 (TSC complex subunit 1; minus strand). Cytogenetic location: 9q34.13.
Variant type: single nucleotide variant.
Coding change: c.3191A>T on transcript NM_000368.5 (MANE Select); coding-DNA position 3191, A replaced by T.
Protein change: p.Glu1064Val; replaces glutamic acid 1064 with valine.
Molecular consequence: missense variant. On other transcripts: non-coding transcript variant (5).
Genome position (GRCh38, 1-based): chr9:132,896,539, T>A on the plus strand (A>T on the coding strand, the complement: TSC1 is on the minus strand). VCF-style: chr9-132896539-T-A. GRCh37 (hg19) VCF-style: chr9-135771926-T-A.
Other names: c.3176A>T, p.Glu1059Val (NM_001406601.1, NM_001406602.1); c.3173A>T, p.Glu1058Val (NM_001406603.1, NM_001406604.1); c.3149A>T, p.Glu1050Val (NM_001406605.1, NM_001406606.1, NM_001406607.1); c.3146A>T, p.Glu1049Val (NM_001406608.1, NM_001406609.1); c.3038A>T, p.Glu1013Val (NM_001406610.1, NM_001162427.2); c.3035A>T, p.Glu1012Val (NM_001406611.1, NM_001406612.1); c.2993A>T, p.Glu998Val (NM_001406613.1); c.2828A>T, p.Glu943Val (NM_001406614.1, NM_001406615.1, NM_001406616.1 and 4 more transcripts); and 8 more; short protein forms E1012V, E1049V, E1059V, E1013V, E1063V, E713V, E747V, E942V.
Identifiers: ClinVar variation 2625205 (VCV002625205.5), dbSNP rs2538444197, ClinGen allele CA375367075.
Genomic context (GRCh38, chr9:132,896,539, plus strand): 5'-GAACTGGGAAGTGAGCCCACAGTGGTGGGGATGCTGGCAGACGCTTCTCCCATAGTCGTC[T>A]CCCACCGACTGCTGAATGGGCCTGCCCTCTGGTGTGGGGGTTTCTCTGGGGTAGAAAGCT-3'
Protein context (NP_000359.1, residues 1054-1074): QRAGPFSSRW[Glu1064Val]TTMGEASASI

ClinVar aggregate classification (germline): Uncertain significance. Review status: criteria provided, multiple submitters, no conflicts (2 of 4 stars). 2 submissions from 2 submitters: Uncertain significance (2). Last evaluated 2025-09-02.

Conditions:
Hereditary cancer-predisposing syndrome. Also called: Tumor predisposition; Neoplastic Syndromes, Hereditary; Hereditary Cancer Syndrome; Hereditary neoplastic syndrome. Identifiers: Orphanet 140162, MedGen C0027672, MeSH D009386, MONDO:0015356.
Tuberous sclerosis 1 (TSC1). Identifiers: Orphanet 805, MedGen C1854465, MONDO:0008612, OMIM 191100.

Submissions (2):

Labcorp Genetics (formerly Invitae), Labcorp
Classification: Uncertain significance for Tuberous sclerosis 1. Last evaluated: 2025-09-02. Review status: criteria provided, single submitter. Criteria: Invitae Variant Classification Sherloc (09022015). Collection method: clinical testing. Allele origin: germline.
Comment: This sequence change replaces glutamic acid, which is acidic and polar, with valine, which is neutral and non-polar, at codon 1064 of the TSC1 protein (p.Glu1064Val). This variant is not present in population databases (gnomAD no frequency). This variant has not been reported in the literature in individuals affected with TSC1-related conditions. ClinVar contains an entry for this variant (Variation ID: 2625205). Invitae Evidence Modeling of protein sequence and biophysical properties (such as structural, functional, and spatial information, amino acid conservation, physicochemical variation, residue mobility, and thermodynamic stability) indicates that this missense variant is not expected to disrupt TSC1 protein function with a negative predictive value of 95%. In summary, the available evidence is currently insufficient to determine the role of this variant in disease. Therefore, it has been classified as a Variant of Uncertain Significance.

Ambry Genetics
Classification: Uncertain significance for Hereditary cancer-predisposing syndrome. Last evaluated: 2023-07-29. Review status: criteria provided, single submitter. Criteria: Ambry Variant Classification Scheme 2023. Collection method: clinical testing. Allele origin: germline.
Comment: The p.E1064V variant (also known as c.3191A>T), located in coding exon 21 of the TSC1 gene, results from an A to T substitution at nucleotide position 3191. The glutamic acid at codon 1064 is replaced by valine, an amino acid with dissimilar properties. This amino acid position is conserved. In addition, the in silico prediction for this alteration is inconclusive. Since supporting evidence is limited at this time, the clinical significance of this alteration remains unclear.